The following is an entry in ClinVar:

ClinVar aggregate classification (germline): Likely benign. Review status: criteria provided, multiple submitters, no conflicts (2 of 4 stars). 2 submissions from 2 submitters: Likely benign (2). Last evaluated 2024-08-13.

Allele frequency attached by ClinVar (database versions not stated): gnomAD exomes below 0.00001; gnomAD 0.00001; TOPMed 0.00001.
gnomAD v4.1: 4 of 1,606,150 alleles (0.00025%); highest among the groups gnomAD compares: Non-Finnish European, 0.00034%; no homozygotes.

Submissions (2):

Labcorp Genetics (formerly Invitae), Labcorp
Classification: Likely benign. Last evaluated: 2024-08-13. Review status: criteria provided, single submitter. Criteria: Invitae Variant Classification Sherloc (09022015). Collection method: clinical testing. Allele origin: germline.

Laboratory for Molecular Medicine, Mass General Brigham Personalized Medicine
Classification: Likely benign. Last evaluated: 2014-05-13. Review status: criteria provided, single submitter. Criteria: LMM Criteria. Collection method: clinical testing. Allele origin: germline. Observed: 1 variant allele.
Comment: 5766-10C>T in intron 40 of MYH9: This variant is not expected to have clinical s ignificance because a C>T change at this position does not diverge from the spli ce consensus sequence and is therefore unlikely to impact splicing.

NM_002473.6(MYH9):c.5766-10C>T

Gene: MYH9 (myosin heavy chain 9; minus strand). Cytogenetic location: 22q12.3.
Variant type: single nucleotide variant.
Coding change: c.5766-10C>T on transcript NM_002473.6 (MANE Select); 10 bases into the intron before coding-DNA position 5766, C replaced by T.
Molecular consequence: intron variant.
Genome position (GRCh38, 1-based): chr22:36,282,795, G>A on the plus strand (C>T on the coding strand, the complement: MYH9 is on the minus strand). VCF-style: chr22-36282795-G-A. GRCh37 (hg19) VCF-style: chr22-36678841-G-A.
Identifiers: ClinVar variation 164413 (VCV000164413.6), dbSNP rs727503282, ClinGen allele CA177064.